The following is an entry in ClinVar:

NM_017612.5(ZCCHC8):c.1315G>C (p.Gly439Arg)

Gene: ZCCHC8 (zinc finger CCHC-type containing 8; minus strand). Cytogenetic location: 12q24.31.
Variant type: single nucleotide variant.
Coding change: c.1315G>C on transcript NM_017612.5 (MANE Select); coding-DNA position 1315, G replaced by C.
Protein change: p.Gly439Arg; replaces glycine 439 with arginine.
Molecular consequence: missense variant.
Genome position (GRCh38, 1-based): chr12:122,477,871, C>G on the plus strand (G>C on the coding strand, the complement: ZCCHC8 is on the minus strand). VCF-style: chr12-122477871-C-G. GRCh37 (hg19) VCF-style: chr12-122962418-C-G.
Other names: c.1084G>C, p.Gly362Arg (NM_001350935.2); c.1018G>C, p.Gly340Arg (NM_001350936.2); c.601G>C, p.Gly201Arg (NM_001350937.2, NM_001350938.2); short protein forms G362R, G439R, G201R, G340R.
Identifiers: ClinVar variation 2326552 (VCV002326552.3), dbSNP rs1489076250, ClinGen allele CA387050585.
Genomic context (GRCh38, chr12:122,477,871, plus strand): 5'-GAGAAATCAGAGCCATAGGATGAAACCTACCTGAATCGAGCTCCATGTCGGCGGGAGATC[C>G]CGCTGAGTTGCTTTCATTCTTCTGCTTCTTTGGACTACCTGGGCTAGAGTGAGATGAAGA-3'
Protein context (NP_060082.2, residues 429-449): KKQKNESNSA[Gly439Arg]SPADMELDSD

ClinVar aggregate classification (germline): Uncertain significance. Review status: criteria provided, multiple submitters, no conflicts (2 of 4 stars). 2 submissions from 2 submitters: Uncertain significance (2). Last evaluated 2026-01-22.

Allele frequency attached by ClinVar (database versions not stated): gnomAD exomes 0.00002.
gnomAD v4.1: 23 of 1,613,684 alleles (0.0014%); highest among the groups gnomAD compares: Non-Finnish European, 0.0019%; no homozygotes.

Submissions (2):

Labcorp Genetics (formerly Invitae), Labcorp
Classification: Uncertain significance. Last evaluated: 2026-01-22. Review status: criteria provided, single submitter. Criteria: Invitae Variant Classification Sherloc (09022015). Collection method: clinical testing. Allele origin: germline.
Comment: This sequence change replaces glycine, which is neutral and non-polar, with arginine, which is basic and polar, at codon 439 of the ZCCHC8 protein (p.Gly439Arg). This variant is present in population databases (no rsID available, gnomAD 0.002%). This variant has not been reported in the literature in individuals affected with ZCCHC8-related conditions. ClinVar contains an entry for this variant (Variation ID: 2326552). Invitae Evidence Modeling of protein sequence and biophysical properties (such as structural, functional, and spatial information, amino acid conservation, physicochemical variation, residue mobility, and thermodynamic stability) indicates that this missense variant is not expected to disrupt ZCCHC8 protein function with a negative predictive value of 80%. In summary, the available evidence is currently insufficient to determine the role of this variant in disease. Therefore, it has been classified as a Variant of Uncertain Significance.

Ambry Genetics
Classification: Uncertain significance. Last evaluated: 2022-11-17. Review status: criteria provided, single submitter. Criteria: Ambry Variant Classification Scheme 2023. Collection method: clinical testing. Allele origin: germline.